The following is an entry in ClinVar:

ClinVar aggregate classification (germline): Likely benign. Review status: criteria provided, multiple submitters, no conflicts (2 of 4 stars). 2 submissions from 2 submitters: Likely benign (2). Last evaluated 2026-01-09.

Conditions:
Primary ciliary dyskinesia 30. Also called: CILIARY DYSKINESIA, PRIMARY, 30, WITH OR WITHOUT SITUS INVERSUS. Identifiers: Orphanet 244, MedGen C4015016, MONDO:0014465, OMIM 616037.

Allele frequency attached by ClinVar (database versions not stated): gnomAD 0.00004 and 0.00005; TOPMed 0.00004; gnomAD exomes 0.00007 and 0.00010; ESP Exome Variant Server 0.00008; ExAC 0.00013; 1000 Genomes Project 30x 0.00016; 1000 Genomes Project 0.00020.
gnomAD v4.1: 114 of 1,613,928 alleles (0.0071%); highest among the groups gnomAD compares: Non-Finnish European, 0.0092%; no homozygotes.

Submissions (2):

Labcorp Genetics (formerly Invitae), Labcorp
Classification: Likely benign for Primary ciliary dyskinesia 30. Last evaluated: 2026-01-09. Review status: criteria provided, single submitter. Criteria: Invitae Variant Classification Sherloc (09022015). Collection method: clinical testing. Allele origin: germline.

CeGaT Center for Human Genetics Tuebingen
Classification: Likely benign. Last evaluated: 2023-02-01. Review status: criteria provided, single submitter. Criteria: CeGaT Center For Human Genetics Tuebingen Variant Classification Criteria Version 2. Collection method: clinical testing. Allele origin: germline. Affected: yes. Observed: 1 variant allele.
Comment: ODAD3: BP4, BP7

NM_145045.5(ODAD3):c.849G>T (p.Leu283=)

Gene: ODAD3 (outer dynein arm docking complex subunit 3; minus strand). Cytogenetic location: 19p13.2.
Variant type: single nucleotide variant.
Coding change: c.849G>T on transcript NM_145045.5 (MANE Select); coding-DNA position 849, G replaced by T.
Protein change: p.Leu283=; no amino-acid change (leucine 283 retained).
Molecular consequence: synonymous variant.
Genome position (GRCh38, 1-based): chr19:11,426,258, C>A on the plus strand (G>T on the coding strand, the complement: ODAD3 is on the minus strand). VCF-style: chr19-11426258-C-A. GRCh37 (hg19) VCF-style: chr19-11537078-C-A.
Other names: c.687G>T, p.Leu229= (NM_001302453.1); c.669G>T, p.Leu223= (NM_001302454.2).
Identifiers: ClinVar variation 1157430 (VCV001157430.32), dbSNP rs200595917, ClinGen allele CA9212234.